The following is an entry in ClinVar:

ClinVar aggregate classification (germline): Benign/Likely benign. Review status: criteria provided, multiple submitters, no conflicts (2 of 4 stars). 7 submissions from 7 submitters: Benign (1); Likely benign (4). 2 of the submissions do not count toward it. Last evaluated 2026-01-19.

Allele frequency attached by ClinVar (database versions not stated): 1000 Genomes Project 30x 0.00031; 1000 Genomes Project 0.00040; ESP Exome Variant Server 0.00131; TOPMed 0.00153; gnomAD 0.00201 and 0.00210; gnomAD exomes 0.00217 and 0.00236; ExAC 0.00238.
gnomAD v4.1: 3,454 of 1,614,076 alleles (0.21%); highest among the groups gnomAD compares: Non-Finnish European, 0.23%; 11 homozygotes.

Submissions (7):

Labcorp Genetics (formerly Invitae), Labcorp
Classification: Benign. Last evaluated: 2026-01-19. Review status: criteria provided, single submitter. Criteria: Invitae Variant Classification Sherloc (09022015). Collection method: clinical testing. Allele origin: germline.

CeGaT Center for Human Genetics Tuebingen
Classification: Likely benign. Last evaluated: 2025-08-01. Review status: criteria provided, single submitter. Criteria: CeGaT Center For Human Genetics Tuebingen Variant Classification Criteria Version 2. Collection method: clinical testing. Allele origin: germline. Affected: yes. Observed: 4 variant alleles.
Comment: CLCNKB: BP4, BP7

Center for Genomic Medicine, Rigshospitalet, Copenhagen University Hospital
Classification: Likely benign. Last evaluated: 2025-03-04. Review status: criteria provided, single submitter. Criteria: ACMG Guidelines, 2015. Collection method: clinical testing. Allele origin: germline.

Blueprint Genetics
Classification: Likely benign. Last evaluated: 2024-11-05. Review status: criteria provided, single submitter. Criteria: ACMG Guidelines, 2015. Collection method: clinical testing. Allele origin: germline.

Athena Diagnostics
Classification: Likely benign. Last evaluated: 2023-11-16. Review status: criteria provided, single submitter. Criteria: Athena Diagnostics Criteria. Collection method: clinical testing. Allele origin: unknown.

Clinical Genetics DNA and cytogenetics Diagnostics Lab, Erasmus MC, Erasmus Medical Center
Classification: Likely benign. Review status: no assertion criteria provided. Collection method: clinical testing. Allele origin: germline. Affected: yes. Study: VKGL Data-share Consensus. Not counted in ClinVar's aggregate classification.

Genome Diagnostics Laboratory, University Medical Center Utrecht
Classification: Likely benign. Review status: no assertion criteria provided. Collection method: clinical testing. Allele origin: germline. Affected: yes. Study: VKGL Data-share Consensus. Not counted in ClinVar's aggregate classification.

NM_000085.5(CLCNKB):c.171G>A (p.Gly57=)

Genes: CLCNKB (chloride voltage-gated channel Kb; plus strand), LOC106501713 (CLCNKB recombination region; plus strand). Cytogenetic location: 1p36.13.
Variant type: single nucleotide variant.
Coding change: c.171G>A on transcript NM_000085.5 (MANE Select); coding-DNA position 171, G replaced by A.
Protein change: p.Gly57=; no amino-acid change (glycine 57 retained).
Molecular consequence: synonymous variant.
Genome position (GRCh38, 1-based): chr1:16,045,628, G>A. VCF-style: chr1-16045628-G-A. GRCh37 (hg19) VCF-style: chr1-16372123-G-A.
Identifiers: ClinVar variation 447095 (VCV000447095.38), dbSNP rs150723240, ClinGen allele CA623198.